The following is an entry in ClinVar:

ClinVar aggregate classification (germline): Conflicting classifications of pathogenicity. Review status: criteria provided, conflicting classifications (1 of 4 stars). 3 submissions from 3 submitters: Uncertain significance (2); Benign (1). Last evaluated 2025-04-18.

Conditions:
Isolated focal cortical dysplasia type II (FCORD2). Also called: CORTICAL DYSPLASIA OF TAYLOR; Focal cortical dysplasia type II. Identifiers: Orphanet 268994, MedGen C1846385, MONDO:0011818, OMIM 607341, HP:0032051.
Hereditary cancer-predisposing syndrome. Also called: Tumor predisposition; Hereditary neoplastic syndrome; Hereditary Cancer Syndrome; Neoplastic Syndromes, Hereditary. Identifiers: Orphanet 140162, MedGen C0027672, MeSH D009386, MONDO:0015356.
Tuberous sclerosis 2 (TSC2). Identifiers: Orphanet 805, MedGen C1860707, MONDO:0013199, OMIM 613254.

Allele frequency attached by ClinVar (database versions not stated): gnomAD 0.00001; TOPMed 0.00002.

Submissions (3):

Ambry Genetics
Classification: Uncertain significance for Hereditary cancer-predisposing syndrome. Last evaluated: 2025-04-18. Review status: criteria provided, single submitter. Criteria: Ambry Variant Classification Scheme 2023. Collection method: clinical testing. Allele origin: germline.
Comment: The p.P1314A variant (also known as c.3940C>G), located in coding exon 32 of the TSC2 gene, results from a C to G substitution at nucleotide position 3940. The proline at codon 1314 is replaced by alanine, an amino acid with highly similar properties. This amino acid position is conserved. In addition, the in silico prediction for this alteration is inconclusive. Since supporting evidence is limited at this time, the clinical significance of this alteration remains unclear.

Labcorp Genetics (formerly Invitae), Labcorp
Classification: Benign for Tuberous sclerosis 2. Last evaluated: 2024-08-31. Review status: criteria provided, single submitter. Criteria: Invitae Variant Classification Sherloc (09022015). Collection method: clinical testing. Allele origin: germline.

Baylor Genetics
Classification: Uncertain significance for Isolated focal cortical dysplasia type II. Last evaluated: 2023-07-25. Review status: criteria provided, single submitter. Criteria: ACMG Guidelines, 2015. Collection method: clinical testing. Allele origin: unknown.

NM_000548.5(TSC2):c.3940C>G (p.Pro1314Ala)

Gene: TSC2 (TSC complex subunit 2; plus strand). Cytogenetic location: 16p13.3.
Variant type: single nucleotide variant.
Coding change: c.3940C>G on transcript NM_000548.5 (MANE Select); coding-DNA position 3940, C replaced by G.
Protein change: p.Pro1314Ala; replaces proline 1314 with alanine.
Molecular consequence: missense variant.
Genome position (GRCh38, 1-based): chr16:2,083,751, C>G. VCF-style: chr16-2083751-C-G. GRCh37 (hg19) VCF-style: chr16-2133752-C-G.
Other names: c.3739C>G, p.Pro1247Ala (NM_001077183.3); c.3871C>G, p.Pro1291Ala (NM_001114382.3); c.3631C>G, p.Pro1211Ala (NM_001318827.2); c.3595C>G, p.Pro1199Ala (NM_001318829.2); c.3208C>G, p.Pro1070Ala (NM_001318831.2); c.3772C>G, p.Pro1258Ala (NM_001318832.2); c.3742C>G, p.Pro1248Ala (NM_001363528.2); c.3808C>G, p.Pro1270Ala (NM_001370404.1); and 1 more; short protein forms P1199A, P1314A, P1248A, P1270A, P1070A, P1247A, P1271A, P1211A.
Identifiers: ClinVar variation 1449828 (VCV001449828.10), dbSNP rs771499212, ClinGen allele CA049666.